The following is an entry in ClinVar:

NM_004046.6(ATP5F1A):c.1069G>A (p.Asp357Asn)

Gene: ATP5F1A (ATP synthase F1 subunit alpha; minus strand). Cytogenetic location: 18q21.1.
Variant type: single nucleotide variant.
Coding change: c.1069G>A on transcript NM_004046.6 (MANE Select); coding-DNA position 1069, G replaced by A.
Protein change: p.Asp357Asn; replaces aspartic acid 357 with asparagine.
Molecular consequence: missense variant.
Genome position (GRCh38, 1-based): chr18:46,087,115, C>T on the plus strand (G>A on the coding strand, the complement: ATP5F1A is on the minus strand). VCF-style: chr18-46087115-C-T. GRCh37 (hg19) VCF-style: chr18-43667081-C-T.
Other names: c.1069G>A (NM_001001937.1); c.919G>A, p.Asp307Asn (NM_001001935.3, NM_001257335.2); c.1069G>A, p.Asp357Asn (NM_001001937.2); c.1003G>A, p.Asp335Asn (NM_001257334.2); short protein forms D307N, D335N, D357N.
Identifiers: ClinVar variation 2182562 (VCV002182562.5), dbSNP rs369519809, ClinGen allele CA8950660.

ClinVar aggregate classification (germline): Uncertain significance. Review status: criteria provided, multiple submitters, no conflicts (2 of 4 stars). 2 submissions from 2 submitters: Uncertain significance (2). Last evaluated 2024-11-05.

Conditions:
Inborn genetic diseases. Identifiers: MedGen C0950123, MeSH D030342.

Allele frequency attached by ClinVar (database versions not stated): gnomAD exomes 0.00001; ExAC 0.00002; gnomAD 0.00003; TOPMed 0.00004; ESP Exome Variant Server 0.00008.

Submissions (2):

Labcorp Genetics (formerly Invitae), Labcorp
Classification: Uncertain significance. Last evaluated: 2024-11-05. Review status: criteria provided, single submitter. Criteria: Invitae Variant Classification Sherloc (09022015). Collection method: clinical testing. Allele origin: germline.
Comment: This sequence change replaces aspartic acid, which is acidic and polar, with asparagine, which is neutral and polar, at codon 357 of the ATP5A1 protein (p.Asp357Asn). This variant is present in population databases (rs369519809, gnomAD 0.007%). This variant has not been reported in the literature in individuals affected with ATP5A1-related conditions. ClinVar contains an entry for this variant (Variation ID: 2182562). An algorithm developed to predict the effect of missense changes on protein structure and function (PolyPhen-2) suggests that this variant is likely to be tolerated. In summary, the available evidence is currently insufficient to determine the role of this variant in disease. Therefore, it has been classified as a Variant of Uncertain Significance.

Ambry Genetics
Classification: Uncertain significance for Inborn genetic diseases. Last evaluated: 2024-10-19. Review status: criteria provided, single submitter. Criteria: Ambry Variant Classification Scheme 2023. Collection method: clinical testing. Allele origin: germline.